The following is an entry in ClinVar:

NM_000038.6(APC):c.2034T>C (p.Ser678=)

Gene: APC (APC regulator of Wnt signaling pathway; plus strand). Cytogenetic location: 5q22.2.
Variant type: single nucleotide variant.
Coding change: c.2034T>C on transcript NM_000038.6 (MANE Select); coding-DNA position 2034, T replaced by C.
Protein change: p.Ser678=; no amino-acid change (serine 678 retained).
Molecular consequence: synonymous variant. On other transcripts: non-coding transcript variant (2).
Genome position (GRCh38, 1-based): chr5:112,837,628, T>C. VCF-style: chr5-112837628-T-C. GRCh37 (hg19) VCF-style: chr5-112173325-T-C.
Other names: c.2034T>C, p.Ser678= (NM_001127510.3, NM_001354895.2, NM_001407450.1); c.1980T>C, p.Ser660= (NM_001127511.3); c.2088T>C, p.Ser696= (NM_001354896.2, NM_001407447.1, NM_001407448.1 and 1 more transcripts); c.2064T>C, p.Ser688= (NM_001354897.2); c.1959T>C, p.Ser653= (NM_001354898.2); c.1950T>C, p.Ser650= (NM_001354899.2); c.1911T>C, p.Ser637= (NM_001354900.2); c.1857T>C, p.Ser619= (NM_001354901.2, NM_001407453.1); and 11 more.
Identifiers: ClinVar variation 3148825 (VCV003148825.1), dbSNP rs2533392460, ClinGen allele CA445963347.

ClinVar aggregate classification (germline): Benign (1 of 4 stars; one submission).

Conditions:
Familial adenomatous polyposis 1 (FAP1). Also called: POLYPOSIS, ADENOMATOUS INTESTINAL; FAMILIAL ADENOMATOUS POLYPOSIS 1, ATTENUATED. Identifiers: MedGen C2713442, MONDO:0021056, OMIM 175100. Disease mechanism: loss of function.

Submission:

Myriad Genetics, Inc.
Classification: Benign for Familial adenomatous polyposis 1. Last evaluated: 2024-03-08. Review status: criteria provided, single submitter. Criteria: Myriad Autosomal Dominant, Autosomal Recessive and X-Linked Classification Criteria (2023). Collection method: clinical testing. Allele origin: unknown.
Comment: This variant is considered benign. This variant is a silent/synonymous amino acid change and it is not expected to impact splicing.